The following is an entry in ClinVar:

ClinVar aggregate classification (germline): Uncertain significance. Review status: criteria provided, multiple submitters, no conflicts (2 of 4 stars). 2 submissions from 2 submitters: Uncertain significance (2). Last evaluated 2026-02-01.

Conditions:
Hereditary cancer-predisposing syndrome. Also called: Hereditary Cancer Syndrome; Neoplastic Syndromes, Hereditary; Tumor predisposition; Hereditary neoplastic syndrome. Identifiers: Orphanet 140162, MedGen C0027672, MeSH D009386, MONDO:0015356.
EGFR-related lung cancer (EGFR). Identifiers: MedGen CN130014.

Allele frequency attached by ClinVar (database versions not stated): TOPMed 0.00001.
gnomAD v4.1: 1 of 1,614,276 alleles (0.000062%); highest among the groups gnomAD compares: South Asian, 0.0011%; no homozygotes.

Submissions (2):

Labcorp Genetics (formerly Invitae), Labcorp
Classification: Uncertain significance for EGFR-related lung cancer. Last evaluated: 2026-02-01. Review status: criteria provided, single submitter. Criteria: Invitae Variant Classification Sherloc (09022015). Collection method: clinical testing. Allele origin: germline.
Comment: This sequence change replaces arginine, which is basic and polar, with glycine, which is neutral and non-polar, at codon 527 of the EGFR protein (p.Arg527Gly). This variant is not present in population databases (gnomAD no frequency). This variant has not been reported in the literature in individuals affected with EGFR-related conditions. ClinVar contains an entry for this variant (Variation ID: 1020888). Invitae Evidence Modeling of protein sequence and biophysical properties (such as structural, functional, and spatial information, amino acid conservation, physicochemical variation, residue mobility, and thermodynamic stability) indicates that this missense variant is not expected to disrupt EGFR protein function with a negative predictive value of 80%. Algorithms developed to predict the effect of sequence changes on RNA splicing suggest that this variant may disrupt the consensus splice site. In summary, the available evidence is currently insufficient to determine the role of this variant in disease. Therefore, it has been classified as a Variant of Uncertain Significance.

Ambry Genetics
Classification: Uncertain significance for Hereditary cancer-predisposing syndrome. Last evaluated: 2025-10-26. Review status: criteria provided, single submitter. Criteria: Ambry Variant Classification Scheme 2023. Collection method: clinical testing. Allele origin: germline.
Comment: The p.R527G variant (also known as c.1579C>G), located in coding exon 13 of the EGFR gene, results from a C to G substitution at nucleotide position 1579. The arginine at codon 527 is replaced by glycine, an amino acid with dissimilar properties. This amino acid position is conserved. In addition, this alteration is predicted to be tolerated by in silico analysis. Based on the available evidence, the clinical significance of this variant remains unclear.

NM_005228.5(EGFR):c.1579C>G (p.Arg527Gly)

Gene: EGFR (epidermal growth factor receptor; plus strand). Cytogenetic location: 7p11.2.
Variant type: single nucleotide variant.
Coding change: c.1579C>G on transcript NM_005228.5 (MANE Select); coding-DNA position 1579, C replaced by G.
Protein change: p.Arg527Gly; replaces arginine 527 with glycine.
Molecular consequence: missense variant.
Genome position (GRCh38, 1-based): chr7:55,161,579, C>G. VCF-style: chr7-55161579-C-G. GRCh37 (hg19) VCF-style: chr7-55229272-C-G.
Other names: c.1444C>G, p.Arg482Gly (NM_001346897.2, NM_001346899.2); c.1579C>G, p.Arg527Gly (NM_001346898.2, NM_201282.2, NM_201284.2); c.1420C>G, p.Arg474Gly (NM_001346900.2); c.778C>G, p.Arg260Gly (NM_001346941.2); c.1579C>G (NM_005228.3); short protein forms R260G, R474G, R482G, R527G.
Identifiers: ClinVar variation 1020888 (VCV001020888.10), dbSNP rs768627073, ClinGen allele CA367579932.